The following is an entry in ClinVar:

NM_000098.3(CPT2):c.603G>A (p.Trp201Ter)

Gene: CPT2 (carnitine palmitoyltransferase 2; plus strand). Cytogenetic location: 1p32.3.
Variant type: single nucleotide variant.
Coding change: c.603G>A on transcript NM_000098.3 (MANE Select); coding-DNA position 603, G replaced by A.
Protein change: p.Trp201Ter; replaces tryptophan 201 with a stop codon.
Molecular consequence: nonsense.
Genome position (GRCh38, 1-based): chr1:53,210,277, G>A. VCF-style: chr1-53210277-G-A. GRCh37 (hg19) VCF-style: chr1-53675949-G-A.
Other names: c.603G>A, p.Trp201Ter (NM_001330589.2); short protein forms W201*.
Identifiers: ClinVar variation 1075002 (VCV001075002.7), dbSNP rs745547578, ClinGen allele CA859016.

ClinVar aggregate classification (germline): Pathogenic (1 of 4 stars; one submission).

Conditions:
Carnitine palmitoyltransferase II deficiency. Also called: Carnitine Palmitoyltransferase 2 Deficiency. Identifiers: Orphanet 157, MedGen C0342790, MONDO:0015515.

Allele frequency attached by ClinVar (database versions not stated): gnomAD exomes below 0.00001; ExAC 0.00001; gnomAD 0.00001.

Submission:

Labcorp Genetics (formerly Invitae), Labcorp
Classification: Pathogenic for Carnitine palmitoyltransferase II deficiency. Last evaluated: 2023-03-20. Review status: criteria provided, single submitter. Criteria: Invitae Variant Classification Sherloc (09022015). Collection method: clinical testing. Allele origin: germline.
Comment: This sequence change creates a premature translational stop signal (p.Trp201*) in the CPT2 gene. It is expected to result in an absent or disrupted protein product. Loss-of-function variants in CPT2 are known to be pathogenic (PMID: 16781677, 16996287). This variant is present in population databases (rs745547578, gnomAD 0.008%). This variant has not been reported in the literature in individuals affected with CPT2-related conditions. ClinVar contains an entry for this variant (Variation ID: 1075002). For these reasons, this variant has been classified as Pathogenic.

Literature cited by the submitters: PubMed 16781677; PubMed 16996287.